The following is an entry in ClinVar:

NM_014055.4(IFT81):c.1757A>G (p.Lys586Arg)

Gene: IFT81 (intraflagellar transport 81; plus strand). Cytogenetic location: 12q24.11.
Variant type: single nucleotide variant.
Coding change: c.1757A>G on transcript NM_014055.4 (MANE Select); coding-DNA position 1757, A replaced by G.
Protein change: p.Lys586Arg; replaces lysine 586 with arginine.
Molecular consequence: missense variant. On other transcripts: non-coding transcript variant (4).
Genome position (GRCh38, 1-based): chr12:110,205,635, A>G. VCF-style: chr12-110205635-A-G. GRCh37 (hg19) VCF-style: chr12-110643440-A-G.
Other names: c.1757A>G, p.Lys586Arg (NM_001143779.2); c.827A>G, p.Lys276Arg (NM_001347947.2, NM_001347948.2); short protein forms K276R, K586R.
Identifiers: ClinVar variation 1366871 (VCV001366871.8), dbSNP rs1307923177, ClinGen allele CA386909525.
Genomic context (GRCh38, chr12:110,205,635, plus strand): 5'-ACTGAAGTCTTTCTATTTAGAACCTAGAAGTTCAACTTCGTCGTGCTACTGATGAGATGA[A>G]GGCATATATCTCTTCTGATCAACAAGAAAAAAGAAAGGCAATTAGGCAAGTGATTTTGTT-3'
Protein context (NP_054774.2, residues 576-596): VQLRRATDEM[Lys586Arg]AYISSDQQEK

ClinVar aggregate classification (germline): Uncertain significance (1 of 4 stars; one submission).

Allele frequency attached by ClinVar (database versions not stated): gnomAD exomes below 0.00001; TOPMed below 0.00001.
gnomAD v4.1: 1 of 1,604,988 alleles (0.000062%); highest among the groups gnomAD compares: Admixed American, 0.0017%; no homozygotes.

Submission:

Labcorp Genetics (formerly Invitae), Labcorp
Classification: Uncertain significance. Last evaluated: 2022-10-24. Review status: criteria provided, single submitter. Criteria: Invitae Variant Classification Sherloc (09022015). Collection method: clinical testing. Allele origin: germline.
Comment: In summary, the available evidence is currently insufficient to determine the role of this variant in disease. Therefore, it has been classified as a Variant of Uncertain Significance. Advanced modeling of protein sequence and biophysical properties (such as structural, functional, and spatial information, amino acid conservation, physicochemical variation, residue mobility, and thermodynamic stability) performed at Invitae indicates that this missense variant is not expected to disrupt IFT81 protein function. ClinVar contains an entry for this variant (Variation ID: 1366871). This variant has not been reported in the literature in individuals affected with IFT81-related conditions. The frequency data for this variant in the population databases is considered unreliable, as metrics indicate poor data quality at this position in the gnomAD database. This sequence change replaces lysine, which is basic and polar, with arginine, which is basic and polar, at codon 586 of the IFT81 protein (p.Lys586Arg).